The following is an entry in ClinVar:

ClinVar aggregate classification (germline): Uncertain significance (1 of 4 stars; one submission).

Conditions:
Meckel-Gruber syndrome. Also called: DYSENCEPHALIA SPLANCHNOCYSTICA; GRUBER SYNDROME; Dysencephalia splachnocystica. Identifiers: Orphanet 564, MedGen C0265215, MONDO:0018921.
Joubert syndrome. Also called: CEREBELLOPARENCHYMAL DISORDER IV; JOUBERT-BOLTSHAUSER SYNDROME; Familial aplasia of the vermis. Identifiers: Orphanet 475, MedGen C5979921, MONDO:0018772.

Allele frequency attached by ClinVar (database versions not stated): gnomAD exomes below 0.00001 and 0.00001; gnomAD 0.00001; TOPMed 0.00002.
gnomAD v4.1: 10 of 1,613,226 alleles (0.00062%); highest among the groups gnomAD compares: Non-Finnish European, 0.00059%; no homozygotes.

Submission:

Labcorp Genetics (formerly Invitae), Labcorp
Classification: Uncertain significance for Joubert syndrome; Meckel-Gruber syndrome. Last evaluated: 2022-05-04. Review status: criteria provided, single submitter. Criteria: Invitae Variant Classification Sherloc (09022015). Collection method: clinical testing. Allele origin: germline.
Comment: This variant has not been reported in the literature in individuals affected with TCTN2-related conditions. Algorithms developed to predict the effect of missense changes on protein structure and function output the following: SIFT: "Tolerated"; PolyPhen-2: "Benign"; Align-GVGD: "Class C0". The methionine amino acid residue is found in multiple mammalian species, which suggests that this missense change does not adversely affect protein function. In summary, the available evidence is currently insufficient to determine the role of this variant in disease. Therefore, it has been classified as a Variant of Uncertain Significance. This sequence change replaces valine, which is neutral and non-polar, with methionine, which is neutral and non-polar, at codon 157 of the TCTN2 protein (p.Val157Met). This variant is present in population databases (no rsID available, gnomAD 0.0009%).

NM_024809.5(TCTN2):c.469G>A (p.Val157Met)

Gene: TCTN2 (tectonic family member 2; plus strand). Cytogenetic location: 12q24.31.
Variant type: single nucleotide variant.
Coding change: c.469G>A on transcript NM_024809.5 (MANE Select); coding-DNA position 469, G replaced by A.
Protein change: p.Val157Met; replaces valine 157 with methionine.
Molecular consequence: missense variant.
Genome position (GRCh38, 1-based): chr12:123,679,194, G>A. VCF-style: chr12-123679194-G-A. GRCh37 (hg19) VCF-style: chr12-124163741-G-A.
Other names: c.466G>A, p.Val156Met (NM_001143850.3); short protein forms V156M, V157M.
Identifiers: ClinVar variation 1485113 (VCV001485113.6), dbSNP rs1299672825, ClinGen allele CA387159267.
Genomic context (GRCh38, chr12:123,679,194, plus strand): 5'-TGTGCTTTGTCGGAATGTTTCTTAGCTGAATTTTTCTGTTGTGTGTACTTTTCAGAGAAC[G>A]TGACTGTCATTCCTAACCAGGTGTATCAGCCCCTTGGCCCTTGTCCTTGTAATTTAACAG-3'
Protein context (NP_079085.2, residues 147-167): SSLTHNASEN[Val157Met]TVIPNQVYQP